The following is an entry in ClinVar:

ClinVar aggregate classification (germline): Uncertain significance (1 of 4 stars; one submission).

Allele frequency attached by ClinVar (database versions not stated): gnomAD exomes below 0.00001; gnomAD 0.00001; TOPMed 0.00001.
gnomAD v4.1: 2 of 1,597,958 alleles (0.00013%); highest among the groups gnomAD compares: African/African-American, 0.0013%; no homozygotes.

Submission:

Labcorp Genetics (formerly Invitae), Labcorp
Classification: Uncertain significance. Last evaluated: 2022-06-11. Review status: criteria provided, single submitter. Criteria: Invitae Variant Classification Sherloc (09022015). Collection method: clinical testing. Allele origin: germline.
Comment: This sequence change replaces histidine, which is basic and polar, with arginine, which is basic and polar, at codon 795 of the SZT2 protein (p.His795Arg). This variant is not present in population databases (gnomAD no frequency). This missense change has been observed in individual(s) with clinical features of SZT2-related conditions (Invitae). ClinVar contains an entry for this variant (Variation ID: 950498). Algorithms developed to predict the effect of missense changes on protein structure and function are either unavailable or do not agree on the potential impact of this missense change (SIFT: "Deleterious"; PolyPhen-2: "Probably Damaging"; Align-GVGD: "Class C0"). In summary, the available evidence is currently insufficient to determine the role of this variant in disease. Therefore, it has been classified as a Variant of Uncertain Significance.

NM_001365999.1(SZT2):c.2384A>G (p.His795Arg)

Gene: SZT2 (SZT2 subunit of KICSTOR complex; plus strand). Cytogenetic location: 1p34.2.
Variant type: single nucleotide variant.
Coding change: c.2384A>G on transcript NM_001365999.1 (MANE Select); coding-DNA position 2384, A replaced by G.
Protein change: p.His795Arg; replaces histidine 795 with arginine.
Molecular consequence: missense variant.
Genome position (GRCh38, 1-based): chr1:43,424,345, A>G. VCF-style: chr1-43424345-A-G. GRCh37 (hg19) VCF-style: chr1-43890016-A-G.
Other names: c.2384A>G, p.His795Arg (NM_015284.4); short protein forms H795R.
Identifiers: ClinVar variation 950498 (VCV000950498.7), dbSNP rs1179771163, ClinGen allele CA340012627.